The following is an entry in ClinVar:

ClinVar aggregate classification (germline): Uncertain significance (1 of 4 stars; one submission).

Conditions:
Arrhythmogenic right ventricular dysplasia 9 (ARVD9). Also called: Arrhythmogenic Right Ventricular Dysplasia/Cardiomyopathy 9; ARRHYTHMOGENIC RIGHT VENTRICULAR DYSPLASIA, FAMILIAL, 9. Identifiers: MedGen C1836906, MONDO:0012180, OMIM 609040.

Submission:

Labcorp Genetics (formerly Invitae), Labcorp
Classification: Uncertain significance for Arrhythmogenic right ventricular dysplasia 9. Last evaluated: 2025-12-20. Review status: criteria provided, single submitter. Criteria: Invitae Variant Classification Sherloc (09022015). Collection method: clinical testing. Allele origin: germline.
Comment: This sequence change replaces alanine, which is neutral and non-polar, with threonine, which is neutral and polar, at codon 347 of the PKP2 protein (p.Ala347Thr). This variant is not present in population databases (gnomAD no frequency). This variant has not been reported in the literature in individuals affected with PKP2-related conditions. ClinVar contains an entry for this variant (Variation ID: 1389167). An algorithm developed to predict the effect of missense changes on protein structure and function (PolyPhen-2) suggests that this variant is likely to be tolerated. In summary, the available evidence is currently insufficient to determine the role of this variant in disease. Therefore, it has been classified as a Variant of Uncertain Significance.

NM_001005242.3(PKP2):c.1039G>A (p.Ala347Thr)

Gene: PKP2 (plakophilin 2; minus strand). Cytogenetic location: 12p11.21.
Variant type: single nucleotide variant.
Coding change: c.1039G>A on transcript NM_001005242.3 (MANE Select); coding-DNA position 1039, G replaced by A.
Protein change: p.Ala347Thr; replaces alanine 347 with threonine.
Molecular consequence: missense variant.
Genome position (GRCh38, 1-based): chr12:32,869,058, C>T on the plus strand (G>A on the coding strand, the complement: PKP2 is on the minus strand). VCF-style: chr12-32869058-C-T. GRCh37 (hg19) VCF-style: chr12-33021992-C-T.
Other names: c.1039G>A, p.Ala347Thr (NM_004572.4); short protein forms A347T.
Identifiers: ClinVar variation 1389167 (VCV001389167.6), dbSNP rs1164976319, ClinGen allele CA384360008.